The following is an entry in ClinVar:

NM_001165963.4(SCN1A):c.3430-1G>A

Genes: SCN1A (sodium voltage-gated channel alpha subunit 1; minus strand), LOC102724058 (uncharacterized LOC102724058; plus strand). Cytogenetic location: 2q24.3.
Variant type: single nucleotide variant.
Coding change: c.3430-1G>A on transcript NM_001165963.4 (MANE Select); the canonical splice acceptor site of the intron before coding-DNA position 3430, G replaced by A.
Molecular consequence: splice acceptor variant. On other transcripts: non-coding transcript variant (1).
Genome position (GRCh38, 1-based): chr2:166,015,728, C>T on the plus strand (G>A on the coding strand, the complement: SCN1A is on the minus strand). VCF-style: chr2-166015728-C-T. GRCh37 (hg19) VCF-style: chr2-166872238-C-T.
Other names: c.3397-1G>A (NM_001353949.2, NM_001353950.2, NM_001353951.2 and 2 more transcripts); c.3346-1G>A (NM_001353958.2, NM_001353957.2, NM_001165964.3); c.3430-1G>A (NM_001202435.3, NM_001353948.2); c.3394-1G>A (NM_001353955.2, NM_001353954.2); c.3343-1G>A (NM_001353960.2); c.988-1G>A (NM_001353961.2).
Identifiers: ClinVar variation 2203189 (VCV002203189.4), dbSNP rs2468550107, ClinGen allele CA349056849.

ClinVar aggregate classification (germline): Pathogenic (1 of 4 stars; one submission).

Conditions:
Early-infantile DEE. Also called: Early infantile epileptic encephalopathy with suppression bursts; Early infantile epileptic encephalopathy; Ohtahara syndrome. Identifiers: Orphanet 1934, MedGen C0393706, MONDO:0800491.

Submission:

Labcorp Genetics (formerly Invitae), Labcorp
Classification: Pathogenic for Early-infantile DEE. Last evaluated: 2025-02-24. Review status: criteria provided, single submitter. Criteria: Invitae Variant Classification Sherloc (09022015). Collection method: clinical testing. Allele origin: germline.
Comment: This sequence change affects an acceptor splice site in intron 16 of the SCN1A gene. It is expected to disrupt RNA splicing. Variants that disrupt the donor or acceptor splice site typically lead to a loss of protein function (PMID: 16199547), and loss-of-function variants in SCN1A are known to be pathogenic (PMID: 17347258, 18930999). This variant is not present in population databases (gnomAD no frequency). Disruption of this splice site has been observed in individual(s) with SCN1A-related conditions (PMID: 17561957). In at least one individual the variant was observed to be de novo. This variant is also known as IVS16-1G>A. ClinVar contains an entry for this variant (Variation ID: 2203189). Algorithms developed to predict the effect of sequence changes on RNA splicing suggest that this variant may disrupt the consensus splice site. For these reasons, this variant has been classified as Pathogenic.

Literature cited by the submitters: PubMed 16199547; PubMed 17347258; PubMed 18930999; PubMed 17561957.